The following is an entry in ClinVar:

NM_001134363.3(RBM20):c.2566C>T (p.Gln856Ter)

Gene: RBM20 (RNA binding motif protein 20; plus strand). Cytogenetic location: 10q25.2.
Variant type: single nucleotide variant.
Coding change: c.2566C>T on transcript NM_001134363.3 (MANE Select); coding-DNA position 2566, C replaced by T.
Protein change: p.Gln856Ter; replaces glutamine 856 with a stop codon.
Molecular consequence: nonsense.
Genome position (GRCh38, 1-based): chr10:110,820,087, C>T. VCF-style: chr10-110820087-C-T. GRCh37 (hg19) VCF-style: chr10-112579845-C-T.
Other names: short protein forms Q856*.
Identifiers: ClinVar variation 1934853 (VCV001934853.7), dbSNP rs1045950607, ClinGen allele CA213228595.
Genomic context (GRCh38, chr10:110,820,087, plus strand): 5'-ACTGCTCACTGTTGATTTGGTTTGCTCTGTTCTTCCTTTGATAAGGCTGGAAAAGAGGAA[C>T]AGGAGGGCATGGAAGAAAGCCCTCAATCAGTGGGCAGACAGGAGAAAGAAGCAGAGTTCT-3'

ClinVar aggregate classification (germline): Conflicting classifications of pathogenicity. Review status: criteria provided, conflicting classifications (1 of 4 stars). 2 submissions from 2 submitters: Pathogenic (1); Uncertain significance (1). Last evaluated 2025-12-08.

Conditions:
Dilated cardiomyopathy 1DD (CMD1DD). Identifiers: Orphanet 154, MedGen C2750995, MONDO:0013168, OMIM 613172.

Allele frequency attached by ClinVar (database versions not stated): gnomAD 0.00001; TOPMed below 0.00001.

Submissions (2):

Labcorp Genetics (formerly Invitae), Labcorp
Classification: Pathogenic for Dilated cardiomyopathy 1DD. Last evaluated: 2025-12-08. Review status: criteria provided, single submitter. Criteria: Invitae Variant Classification Sherloc (09022015). Collection method: clinical testing. Allele origin: germline.
Comment: This sequence change creates a premature translational stop signal (p.Gln856*) in the RBM20 gene. It is expected to result in an absent or disrupted protein product. Loss-of-function variants in RBM20 are known to be pathogenic (PMID: 20590677, 22004663, 38288598, 38510713, 40339755). This variant is not present in population databases (gnomAD no frequency). This variant has not been reported in the literature in individuals affected with RBM20-related conditions. ClinVar contains an entry for this variant (Variation ID: 1934853). Experimental studies and prediction algorithms are not available or were not evaluated, and the functional significance of this variant is currently unknown. For these reasons, this variant has been classified as Pathogenic.

Dasa
Classification: Uncertain significance. Last evaluated: 2025-02-19. Review status: criteria provided, single submitter. Criteria: DASA Assertion Criteria. Collection method: clinical testing. Allele origin: germline.
Comment: NM_001134363.3(RBM20):c.2566C>T (p.Gln856*) is a nonsense variant in RBM20 predicted to introduce a premature termination codon and is predicted to result in an absent or altered protein product. This variant is rare in population databases. The currently available literature and clinical evidence are not sufficient to establish a definitive association between this variant and the reported condition. Therefore, this variant is classified as a variant of uncertain significance.

Literature cited by the submitters: PubMed 20590677 (cited by Labcorp Genetics (formerly Invitae), Labcorp); PubMed 22004663 (cited by Labcorp Genetics (formerly Invitae), Labcorp); PubMed 38288598 (cited by Labcorp Genetics (formerly Invitae), Labcorp); PubMed 38510713 (cited by Labcorp Genetics (formerly Invitae), Labcorp); PubMed 40339755 (cited by Labcorp Genetics (formerly Invitae), Labcorp).